The following is an entry in ClinVar:

NM_001077365.2(POMT1):c.982A>C (p.Met328Leu)

Gene: POMT1 (protein O-mannosyltransferase 1; plus strand). Cytogenetic location: 9q34.13.
Variant type: single nucleotide variant.
Coding change: c.982A>C on transcript NM_001077365.2 (MANE Select); coding-DNA position 982, A replaced by C.
Protein change: p.Met328Leu; replaces methionine 328 with leucine.
Molecular consequence: missense variant. On other transcripts: non-coding transcript variant (10).
Genome position (GRCh38, 1-based): chr9:131,511,463, A>C. VCF-style: chr9-131511463-A-C. GRCh37 (hg19) VCF-style: chr9-134386850-A-C.
Other names: c.820A>C, p.Met274Leu (NM_001077366.2, NM_001353194.2, NM_001374693.1); c.982A>C, p.Met328Leu (NM_001136113.2, NM_001374690.1); c.631A>C, p.Met211Leu (NM_001136114.2, NM_001353195.2, NM_001374691.1 and 1 more transcripts); c.1048A>C, p.Met350Leu (NM_001353193.2, NM_007171.4); c.892A>C, p.Met298Leu (NM_001353196.2); c.886A>C, p.Met296Leu (NM_001353197.2, NM_001353198.2); c.697A>C, p.Met233Leu (NM_001353199.2); c.526A>C, p.Met176Leu (NM_001353200.2); and 3 more; short protein forms H322P, M176L, M211L, M233L, M298L, M198L, M296L, M274L.
Identifiers: ClinVar variation 2111980 (VCV002111980.4), dbSNP rs2539179416, ClinGen allele CA375308704.
Genomic context (GRCh38, chr9:131,511,463, plus strand): 5'-AGGAACGTCTTTGGGAAACCTGTGCCCTGCTGGCTTCATTCCCACCAGGACACCTACCCC[A>C]TGATGTAAGGTGATGGTTTTACTTTGAAGATAATTAAATGCTTTATTTGCTCGTAGATTT-3'
Protein context (NP_001070833.1, residues 318-338): WLHSHQDTYP[Met328Leu]IYENGRGSSH

ClinVar aggregate classification (germline): Uncertain significance (1 of 4 stars; one submission).

Conditions:
Muscular dystrophy-dystroglycanopathy (congenital with impaired intellectual development), type B, 1. Also called: Muscular dystrophy-dystroglycanopathy (congenital with intellectual disability), type B1; MUSCULAR DYSTROPHY, CONGENITAL, POMT1-RELATED. Identifiers: MedGen C5436962, MONDO:0013159, OMIM 613155.
Walker-Warburg congenital muscular dystrophy. Also called: Muscular dystrophy-dystroglycanopathy, type A; Walker-Warburg syndrome. Identifiers: Orphanet 899, MedGen C0265221, MONDO:0000171.
Autosomal recessive limb-girdle muscular dystrophy type 2K. Also called: MUSCULAR DYSTROPHY-DYSTROGLYCANOPATHY (LIMB-GIRDLE), TYPE C, 1; MUSCULAR DYSTROPHY, LIMB-GIRDLE, TYPE 2K. Identifiers: Orphanet 86812, MedGen C1836373, MONDO:0012248, OMIM 609308.

Submission:

Labcorp Genetics (formerly Invitae), Labcorp
Classification: Uncertain significance for Muscular dystrophy-dystroglycanopathy (congenital with impaired intellectual development), type B, 1; Walker-Warburg congenital muscular dystrophy; Autosomal recessive limb-girdle muscular dystrophy type 2K. Last evaluated: 2022-07-25. Review status: criteria provided, single submitter. Criteria: Invitae Variant Classification Sherloc (09022015). Collection method: clinical testing. Allele origin: germline.
Comment: This sequence change replaces methionine, which is neutral and non-polar, with leucine, which is neutral and non-polar, at codon 350 of the POMT1 protein (p.Met350Leu). This variant is not present in population databases (gnomAD no frequency). This variant has not been reported in the literature in individuals affected with POMT1-related conditions. Algorithms developed to predict the effect of missense changes on protein structure and function output the following: SIFT: "Tolerated"; PolyPhen-2: "Benign"; Align-GVGD: "Class C0". The leucine amino acid residue is found in multiple mammalian species, which suggests that this missense change does not adversely affect protein function. In summary, the available evidence is currently insufficient to determine the role of this variant in disease. Therefore, it has been classified as a Variant of Uncertain Significance.